The following is an entry in ClinVar:

NM_017534.6(MYH2):c.2113_2114delinsTG (p.Leu705Trp)

Genes: MYH2 (myosin heavy chain 2; minus strand), MYHAS (myosin heavy chain gene cluster antisense RNA; plus strand). Cytogenetic location: 17p13.1.
Variant type: Indel.
Coding change: c.2113_2114delinsTG on transcript NM_017534.6 (MANE Select); coding-DNA positions 2113 to 2114, CT replaced by TG.
Protein change: p.Leu705Trp; replaces leucine 705 with tryptophan.
Molecular consequence: missense variant.
Genome position (GRCh38, 1-based): chr17:10,535,139-10,535,140, AG replaced by CA on the plus strand (CT replaced by TG on the coding strand, the reverse complement: MYH2 is on the minus strand). VCF-style: chr17-10535139-AG-CA. GRCh37 (hg19) VCF-style: chr17-10438456-AG-CA.
Other names: c.2113_2114delinsTG, p.Leu705Trp (NM_001100112.2); short protein forms L705W.
Identifiers: ClinVar variation 5019527 (VCV005019527.2).

ClinVar aggregate classification (germline): Uncertain significance (1 of 4 stars; one submission).

Conditions:
Myopathy, proximal, and ophthalmoplegia (CMYO6). Also called: MYOPATHY WITH CONGENITAL JOINT CONTRACTURES, OPHTHALMOPLEGIA, AND RIMMED VACUOLES; INCLUSION BODY MYOPATHY 3, AUTOSOMAL DOMINANT; CONGENITAL MYOPATHY 6 WITH OPHTHALMOPLEGIA. Identifiers: Orphanet 363677, Orphanet 79091, MedGen C1854106, MONDO:0011577, OMIM 605637.

Submission:

Juno Genomics, Hangzhou Juno Genomics, Inc
Classification: Uncertain significance for Myopathy, proximal, and ophthalmoplegia. Review status: criteria provided, single submitter. Criteria: ACMG Guidelines, 2015. Collection method: clinical testing. Allele origin: germline.
Comment: Absent from controls (or at extremely low frequency if recessive) in Genome Aggregation Database.;Missense variant in a gene that has a low rate of benign missense variation.